The following is an entry in ClinVar:

ClinVar aggregate classification (germline): Uncertain significance (1 of 4 stars; one submission).

Conditions:
Werner syndrome (WRN). Identifiers: Orphanet 902, MedGen C0043119, MONDO:0010196, OMIM 277700.

Allele frequency attached by ClinVar (database versions not stated): gnomAD exomes below 0.00001 and 0.00002; ExAC 0.00001.
gnomAD v4.1: 21 of 1,612,760 alleles (0.0013%); highest among the groups gnomAD compares: South Asian, 0.0033%; no homozygotes.

Submission:

Labcorp Genetics (formerly Invitae), Labcorp
Classification: Uncertain significance for Werner syndrome. Last evaluated: 2020-06-04. Review status: criteria provided, single submitter. Criteria: Invitae Variant Classification Sherloc (09022015). Collection method: clinical testing. Allele origin: germline.
Comment: Algorithms developed to predict the effect of missense changes on protein structure and function output the following: SIFT: "Tolerated"; PolyPhen-2: "Benign"; Align-GVGD: "Class C0". The glutamic acid amino acid residue is found in multiple mammalian species, suggesting that this missense change does not adversely affect protein function. These predictions have not been confirmed by published functional studies and their clinical significance is uncertain. In summary, the available evidence is currently insufficient to determine the role of this variant in disease. Therefore, it has been classified as a Variant of Uncertain Significance. This variant has not been reported in the literature in individuals with WRN-related disease. This variant is present in population databases (rs749679346, ExAC 0.006%). This sequence change replaces lysine with glutamic acid at codon 167 of the WRN protein (p.Lys167Glu). The lysine residue is weakly conserved and there is a small physicochemical difference between lysine and glutamic acid.

NM_000553.6(WRN):c.499A>G (p.Lys167Glu)

Gene: WRN (WRN RecQ like helicase; plus strand). Cytogenetic location: 8p12.
Variant type: single nucleotide variant.
Coding change: c.499A>G on transcript NM_000553.6 (MANE Select); coding-DNA position 499, A replaced by G.
Protein change: p.Lys167Glu; replaces lysine 167 with glutamic acid.
Molecular consequence: missense variant.
Genome position (GRCh38, 1-based): chr8:31,065,058, A>G. VCF-style: chr8-31065058-A-G. GRCh37 (hg19) VCF-style: chr8-30922574-A-G.
Other names: short protein forms K167E.
Identifiers: ClinVar variation 571855 (VCV000571855.4), dbSNP rs749679346, ClinGen allele CA4704080.